The following is an entry in ClinVar:

NM_001430.5(EPAS1):c.923G>A (p.Arg308Gln)

Gene: EPAS1 (endothelial PAS domain protein 1; plus strand). Cytogenetic location: 2p21.
Variant type: single nucleotide variant.
Coding change: c.923G>A on transcript NM_001430.5 (MANE Select); coding-DNA position 923, G replaced by A.
Protein change: p.Arg308Gln; replaces arginine 308 with glutamine.
Molecular consequence: missense variant.
Genome position (GRCh38, 1-based): chr2:46,375,726, G>A. VCF-style: chr2-46375726-G-A. GRCh37 (hg19) VCF-style: chr2-46602865-G-A.
Other names: short protein forms R308Q.
Identifiers: ClinVar variation 3221682 (VCV003221682.1), dbSNP rs2103662295, ClinGen allele CA346702696.
Genomic context (GRCh38, chr2:46,375,726, plus strand): 5'-TCAGCTCTGTTTCTCCTCCCCTAGTGTGCACCAAGGGTCAGGTAGTAAGTGGCCAGTACC[G>A]GATGCTCGCAAAGCATGGGGGCTACGTGTGGCTGGAGACCCAGGGGACGGTCATCTACAA-3'
Protein context (NP_001421.2, residues 298-318): TKGQVVSGQY[Arg308Gln]MLAKHGGYVW

ClinVar aggregate classification (germline): Uncertain significance (1 of 4 stars; one submission).

Conditions:
Inborn genetic diseases. Identifiers: MedGen C0950123, MeSH D030342.

Allele frequency attached by ClinVar (database versions not stated): gnomAD exomes below 0.00001.
gnomAD v4.1: 1 of 1,614,136 alleles (0.000062%); highest among the groups gnomAD compares: Non-Finnish European, 0.000085%; no homozygotes.

Submission:

Ambry Genetics
Classification: Uncertain significance for Inborn genetic diseases. Last evaluated: 2023-11-18. Review status: criteria provided, single submitter. Criteria: Ambry Variant Classification Scheme 2023. Collection method: clinical testing. Allele origin: germline.
Comment: The p.R308Q variant (also known as c.923G>A), located in coding exon 8 of the EPAS1 gene, results from a G to A substitution at nucleotide position 923. The arginine at codon 308 is replaced by glutamine, an amino acid with highly similar properties. This amino acid position is conserved. In addition, this alteration is predicted to be deleterious by in silico analysis. Since supporting evidence is limited at this time, the clinical significance of this alteration remains unclear.